The following is an entry in ClinVar:

NM_000051.4(ATM):c.7331_7332del (p.Glu2444fs)

Genes: ATM (ATM serine/threonine kinase; plus strand), C11orf65 (chromosome 11 open reading frame 65; minus strand). Cytogenetic location: 11q22.3.
Variant type: Microsatellite.
Coding change: c.7331_7332del on transcript NM_000051.4 (MANE Select); coding-DNA positions 7331 to 7332, 2 bases deleted (AG; older notation c.7331_7332delAG).
Protein change: p.Glu2444fs; shifts the reading frame from glutamic acid 2444.
Molecular consequence: frameshift variant. On other transcripts: intron variant (2).
Genome position (GRCh38, 1-based): chr11:108,330,237-108,330,238, AG deleted; deleting any 2 consecutive bases within chr11:108,330,234-108,330,238 gives the same sequence; the c. name uses the placement nearest the transcript's 3' end. VCF-style (leftmost placement, unchanged base first): chr11-108330233-CGA-C. GRCh37 (hg19) VCF-style: chr11-108200960-CGA-C.
Other names: c.7331_7332del, p.Glu2444fs (NM_001351834.2); c.641-21164_641-21163del (NM_001330368.2); c.*38+4985_*38+4986del (NM_001351110.2); short protein forms E2444fs.
Identifiers: ClinVar variation 3148458 (VCV003148458.1), dbSNP rs2547260675, ClinGen allele CA2825001953.

ClinVar aggregate classification (germline): Pathogenic (1 of 4 stars; one submission).

Conditions:
Familial cancer of breast. Also called: hereditary breast carcinoma; BREAST CANCER, FAMILIAL; Hereditary breast cancer. Identifiers: Orphanet 227535, MedGen C0346153, MONDO:0016419, OMIM 114480. Disease mechanism: loss of function.

Submission:

Myriad Genetics, Inc.
Classification: Pathogenic for Familial cancer of breast. Last evaluated: 2024-01-31. Review status: criteria provided, single submitter. Criteria: Myriad Autosomal Dominant, Autosomal Recessive and X-Linked Classification Criteria (2023). Collection method: clinical testing. Allele origin: unknown.
Comment: This variant is considered pathogenic. This variant creates a frameshift predicted to result in premature protein truncation.